The following is an entry in ClinVar:

ClinVar aggregate classification (germline): Pathogenic/Likely pathogenic. Review status: criteria provided, multiple submitters, no conflicts (2 of 4 stars). 3 submissions from 3 submitters: Pathogenic (1); Likely pathogenic (2). Last evaluated 2025-08-29.

Conditions:
ALPL-related disorder. Also called: ALPL-related condition; ALPL-related disorders.
Hypophosphatasia. Also called: Phosphoethanol-aminuria. Identifiers: Orphanet 436, MedGen C0020630, MeSH D007014, MONDO:0018570.

Submissions (3):

Genomenon, Inc
Classification: Pathogenic for Hypophosphatasia. Last evaluated: 2025-08-29. Review status: criteria provided, single submitter. Criteria: Genomenon Sequence Variant Interpretation Standards. Collection method: curation. Allele origin: germline. Affected: yes.
Comment: ALPL c.244G>C is a missense variant that changes the amino acid at residue 82 from Glycine to Arginine. This variant has been observed in at least one proband affected with hypophosphatasia (PMID:33404770). The variant was found to segregate with disease in at least one affected family (PMID:33404770). Another cDNA variant that causes the same protein consequence has been determined to be pathogenic. It is absent or not present at a significant frequency in gnomAD. In silico models agree that this variant is possibly or probably damaging. In conclusion, we classify ALPL p.Gly82Arg (c.244G>C) as a pathogenic variant.

JKU Lab, Dept of Paediatrics, Johannes Kepler University
Classification: Likely pathogenic for Hypophosphatasia. Last evaluated: 2022-12-13. Review status: criteria provided, single submitter. Criteria: ACMG Guidelines, 2015. Collection method: clinical testing. Allele origin: germline. Affected: yes. Observed: 1 heterozygote.
Comment: Absent in GnomAD. Functional testing at the JKU lab performed for c.244G>A showed reduced ALP residual activity. The functional test results and ACMG criteria applied can be looked up in the ALPL gene variant database.

Blueprint Genetics
Classification: Likely pathogenic for ALPL-related disorders. Last evaluated: 2022-04-22. Review status: criteria provided, single submitter. Criteria: ACMG Guidelines, 2015. Collection method: clinical testing. Allele origin: germline. Affected: yes. Observed: 1 variant allele.

Literature cited by the submitters: PubMed 33404770 (cited by Genomenon, Inc).

NM_000478.6(ALPL):c.244G>C (p.Gly82Arg)

Gene: ALPL (alkaline phosphatase, biomineralization associated; plus strand). Cytogenetic location: 1p36.12.
Variant type: single nucleotide variant.
Coding change: c.244G>C on transcript NM_000478.6 (MANE Select); coding-DNA position 244, G replaced by C.
Protein change: p.Gly82Arg; replaces glycine 82 with arginine.
Molecular consequence: missense variant. On other transcripts: intron variant (1).
Genome position (GRCh38, 1-based): chr1:21,561,159, G>C. VCF-style: chr1-21561159-G-C. GRCh37 (hg19) VCF-style: chr1-21887652-G-C.
Other names: c.79G>C, p.Gly27Arg (NM_001127501.4); c.244G>C, p.Gly82Arg (NM_001369803.2, NM_001369804.2, NM_001369805.2); c.66+414G>C (NM_001177520.3); short protein forms G27R, G82R.
Identifiers: ClinVar variation 2664863 (VCV002664863.3), dbSNP rs2545292224, ClinGen allele CA338878058.